The following is an entry in ClinVar:

ClinVar aggregate classification (germline): Uncertain significance. Review status: criteria provided, multiple submitters, no conflicts (2 of 4 stars). 7 submissions from 7 submitters: Uncertain significance (6). 1 of the submissions does not count toward it. Last evaluated 2026-01-26.

Conditions:
Ovarian cancer. Also called: OVARIAN CANCER, SOMATIC. Identifiers: Orphanet 213500, MedGen C1140680, MONDO:0008170, OMIM 167000.
Fanconi anemia complementation group J. Also called: BRIP1-Related Fanconi Anemia. Identifiers: Orphanet 84, MedGen C1836860, MONDO:0012187, OMIM 609054.
Familial cancer of breast. Also called: BREAST CANCER, FAMILIAL; hereditary breast carcinoma; Hereditary breast cancer. Identifiers: Orphanet 227535, MedGen C0346153, MONDO:0016419, OMIM 114480. Disease mechanism: loss of function.
Hereditary cancer-predisposing syndrome. Also called: Tumor predisposition; Neoplastic Syndromes, Hereditary; Hereditary neoplastic syndrome; Hereditary Cancer Syndrome. Identifiers: Orphanet 140162, MedGen C0027672, MeSH D009386, MONDO:0015356.

Allele frequency attached by ClinVar (database versions not stated): gnomAD 0.00001; gnomAD exomes 0.00001; TOPMed 0.00001; ExAC 0.00002; ESP Exome Variant Server 0.00008.

Submissions (7):

Labcorp Genetics (formerly Invitae), Labcorp
Classification: Uncertain significance for Familial cancer of breast; Fanconi anemia complementation group J. Last evaluated: 2026-01-26. Review status: criteria provided, single submitter. Criteria: Invitae Variant Classification Sherloc (09022015). Collection method: clinical testing. Allele origin: germline.
Comment: This sequence change replaces arginine, which is basic and polar, with glutamine, which is neutral and polar, at codon 798 of the BRIP1 protein (p.Arg798Gln). This variant is present in population databases (rs375082407, gnomAD 0.005%). This variant has not been reported in the literature in individuals affected with BRIP1-related conditions. ClinVar contains an entry for this variant (Variation ID: 142949). Invitae Evidence Modeling of protein sequence and biophysical properties (such as structural, functional, and spatial information, amino acid conservation, physicochemical variation, residue mobility, and thermodynamic stability) indicates that this missense variant is not expected to disrupt BRIP1 protein function with a negative predictive value of 95%. In summary, the available evidence is currently insufficient to determine the role of this variant in disease. Therefore, it has been classified as a Variant of Uncertain Significance.

Women's Health and Genetics/Laboratory Corporation of America, LabCorp
Classification: Uncertain significance. Last evaluated: 2025-09-04. Review status: criteria provided, single submitter. Criteria: LabCorp Variant Classification Summary - May 2015. Collection method: clinical testing. Allele origin: germline.
Comment: Variant summary: BRIP1 c.2393G>A (p.Arg798Gln) results in a conservative amino acid change located in the ATP-dependent helicase, C-terminal domain (IPR006555) of the encoded protein sequence. Algorithms developed to predict the effect of missense changes on protein structure and function are either unavailable or do not agree on the potential impact of this missense change. The variant allele was found at a frequency of 8.1e-06 in 247106 control chromosomes. The available data on variant occurrences in the general population are insufficient to allow any conclusion about variant significance. c.2393G>A has been observed in an individual affected with ovarian cancer who also carried other cancer-related variants (Shen_2022). These report(s) do not provide unequivocal conclusions about association of the variant with Hereditary Breast And Ovarian Cancer Syndrome. To our knowledge, no experimental evidence demonstrating an impact on protein function has been reported. The following publications have been ascertained in the context of this evaluation (PMID: 36338706). ClinVar contains an entry for this variant (Variation ID: 142949). Based on the evidence outlined above, the variant was classified as uncertain significance.

Ambry Genetics
Classification: Uncertain significance for Hereditary cancer-predisposing syndrome. Last evaluated: 2025-08-05. Review status: criteria provided, single submitter. Criteria: Ambry Variant Classification Scheme 2023. Collection method: clinical testing. Allele origin: germline.

GeneDx
Classification: Uncertain significance. Last evaluated: 2025-05-25. Review status: criteria provided, single submitter. Criteria: GeneDx Variant Classification Process June 2021. Collection method: clinical testing. Allele origin: germline. Affected: yes.
Comment: Not observed at significant frequency in large population cohorts (gnomAD); In silico analysis suggests that this missense variant does not alter protein structure/function; Identified in an individual with ovarian cancer who also harbored other germline variants possibly contributing to their disease (PMID: 36338706); This variant is associated with the following publications: (PMID: 22810696, 25256751, 25303977, 34607609, 36338706)

Color Diagnostics, LLC DBA Color Health
Classification: Uncertain significance for Hereditary cancer-predisposing syndrome. Last evaluated: 2025-05-21. Review status: criteria provided, single submitter. Criteria: ACMG Guidelines, 2015. Collection method: clinical testing. Allele origin: germline.
Comment: This missense variant replaces arginine with glutamine at codon 798 of the BRIP1 protein. Computational prediction suggests that this variant may not impact protein structure and function. To our knowledge, functional studies have not been reported for this variant. This variant has been reported in an individual affected with ovarian cancer and chronic myelomonocytic leukemia (PMID: 36338706). This variant has been identified in 2/247106 chromosomes in the general population by the Genome Aggregation Database (gnomAD). The available evidence is insufficient to determine the role of this variant in disease conclusively. Therefore, this variant is classified as a Variant of Uncertain Significance.

Myriad Genetics, Inc.
Classification: Uncertain significance for Familial cancer of breast. Last evaluated: 2023-03-01. Review status: criteria provided, single submitter. Criteria: Myriad Autosomal Dominant, Autosomal Recessive and X-Linked Classification Criteria (2023). Collection method: clinical testing. Allele origin: unknown.
Comment: This variant is classified as a variant of uncertain significance as there is insufficient evidence to determine its impact on protein function and/or cancer risk.

Counsyl
Classification: Uncertain significance for Fanconi anemia complementation group J; Ovarian cancer. Last evaluated: 2017-08-11. Review status: no assertion criteria provided. Collection method: clinical testing. Allele origin: unknown. Not counted in ClinVar's aggregate classification.

Literature cited by the submitters: PubMed 36338706 (cited by Women's Health and Genetics/Laboratory Corporation of America, LabCorp and Color Diagnostics, LLC DBA Color Health).

NM_032043.3(BRIP1):c.2393G>A (p.Arg798Gln)

Gene: BRIP1 (BRCA1 interacting DNA helicase 1; minus strand). Cytogenetic location: 17q23.2.
Variant type: single nucleotide variant.
Coding change: c.2393G>A on transcript NM_032043.3 (MANE Select); coding-DNA position 2393, G replaced by A.
Protein change: p.Arg798Gln; replaces arginine 798 with glutamine.
Molecular consequence: missense variant.
Genome position (GRCh38, 1-based): chr17:61,716,050, C>T on the plus strand (G>A on the coding strand, the complement: BRIP1 is on the minus strand). VCF-style: chr17-61716050-C-T. GRCh37 (hg19) VCF-style: chr17-59793411-C-T.
Other names: short protein forms R798Q.
Identifiers: ClinVar variation 142949 (VCV000142949.33), dbSNP rs375082407, ClinGen allele CA169845.